The following is an entry in ClinVar:

ClinVar aggregate classification (germline): Uncertain significance. Review status: criteria provided, multiple submitters, no conflicts (2 of 4 stars). 2 submissions from 2 submitters: Uncertain significance (2). Last evaluated 2022-02-23.

Conditions:
Alstrom syndrome (ALMS). Identifiers: Orphanet 64, MedGen C0268425, MONDO:0008763, OMIM 203800.

Allele frequency attached by ClinVar (database versions not stated): gnomAD exomes below 0.00001 and 0.00002; ExAC 0.00002; TOPMed 0.00003; gnomAD 0.00004.
gnomAD v4.1: 7 of 1,614,066 alleles (0.00043%); highest among the groups gnomAD compares: African/African-American, 0.0093%; no homozygotes.

Submissions (2):

Fulgent Genetics
Classification: Uncertain significance for Alstrom syndrome. Last evaluated: 2022-02-23. Review status: criteria provided, single submitter. Criteria: ACMG Guidelines, 2015. Collection method: clinical testing. Allele origin: unknown.

Labcorp Genetics (formerly Invitae), Labcorp
Classification: Uncertain significance for Alstrom syndrome. Last evaluated: 2021-05-05. Review status: criteria provided, single submitter. Criteria: Invitae Variant Classification Sherloc (09022015). Collection method: clinical testing. Allele origin: germline.
Comment: This sequence change replaces valine with isoleucine at codon 2737 of the ALMS1 protein (p.Val2737Ile). The valine residue is moderately conserved and there is a small physicochemical difference between valine and isoleucine. This variant is present in population databases (rs766878343, ExAC 0.03%). This variant has not been reported in the literature in individuals with ALMS1-related conditions. Experimental studies and prediction algorithms are not available or were not evaluated, and the functional significance of this variant is currently unknown. In summary, the available evidence is currently insufficient to determine the role of this variant in disease. Therefore, it has been classified as a Variant of Uncertain Significance.

NM_001378454.1(ALMS1):c.8206G>A (p.Val2736Ile)

Gene: ALMS1 (ALMS1 centrosome and basal body associated protein; plus strand). Cytogenetic location: 2p13.1.
Variant type: single nucleotide variant.
Coding change: c.8206G>A on transcript NM_001378454.1 (MANE Select); coding-DNA position 8206, G replaced by A.
Protein change: p.Val2736Ile; replaces valine 2736 with isoleucine.
Molecular consequence: missense variant.
Genome position (GRCh38, 1-based): chr2:73,490,165, G>A. VCF-style: chr2-73490165-G-A. GRCh37 (hg19) VCF-style: chr2-73717292-G-A.
Other names: c.8209G>A, p.Val2737Ile (NM_015120.4); short protein forms V2736I, V2737I.
Identifiers: ClinVar variation 1506510 (VCV001506510.4), dbSNP rs766878343, ClinGen allele CA1714425.
Genomic context (GRCh38, chr2:73,490,165, plus strand): 5'-ACTTTTTCATCTCACCGACATTCTAAATGCATTTCCAATTCCTCTGTTGTTAAGGTTGGT[G>A]TTACTGAAGGTAGCCAGTGTACTGGAGCATCTGTGGGGGTATTTAATTCTCATTTCACTG-3'
Protein context (NP_001365383.1, residues 2726-2746): ISNSSVVKVG[Val2736Ile]TEGSQCTGAS